The following is an entry in ClinVar:

ClinVar aggregate classification (germline): Likely pathogenic (1 of 4 stars; one submission).

Conditions:
Familial renal glucosuria (GLYS). Also called: Familial renal glycosuria; RENAL GLUCOSURIA, AUTOSOMAL DOMINANT. Identifiers: Orphanet 69076, MedGen C3245525, MONDO:0009297, OMIM 233100.

gnomAD v4.1: 1 of 1,613,730 alleles (0.000062%); highest among the groups gnomAD compares: East Asian, 0.0022%; no homozygotes.

Submission:

Juno Genomics, Hangzhou Juno Genomics, Inc
Classification: Likely pathogenic for Familial renal glucosuria. Review status: criteria provided, single submitter. Criteria: ACMG Guidelines, 2015. Collection method: clinical testing. Allele origin: germline.
Comment: Null variant in a gene where loss of function (LOF) is a known mechanism of disease.;Absent from controls (or at extremely low frequency if recessive) in Genome Aggregation Database.

NM_003041.4(SLC5A2):c.768T>G (p.Tyr256Ter)

Gene: SLC5A2 (solute carrier family 5 member 2; plus strand). Cytogenetic location: 16p11.2.
Variant type: single nucleotide variant.
Coding change: c.768T>G on transcript NM_003041.4 (MANE Select); coding-DNA position 768, T replaced by G.
Protein change: p.Tyr256Ter; replaces tyrosine 256 with a stop codon.
Molecular consequence: nonsense. On other transcripts: non-coding transcript variant (1).
Genome position (GRCh38, 1-based): chr16:31,487,642, T>G. VCF-style: chr16-31487642-T-G. GRCh37 (hg19) VCF-style: chr16-31498963-T-G.
Other names: short protein forms Y256*.
Identifiers: ClinVar variation 5005579 (VCV005005579.2).